The following is an entry in ClinVar:

ClinVar aggregate classification (germline): Uncertain significance. Review status: criteria provided, multiple submitters, no conflicts (2 of 4 stars). 2 submissions from 2 submitters: Uncertain significance (2). Last evaluated 2025-12-16.

Conditions:
Developmental and epileptic encephalopathy, 46 (DEE46). Also called: Epileptic encephalopathy, early infantile, 46; GRIN2D-Related Developmental and Epileptic Encephalopathy. Identifiers: MedGen C4310687, MONDO:0014947, OMIM 617162.

Allele frequency attached by ClinVar (database versions not stated): TOPMed below 0.00001; gnomAD 0.00001.

Submissions (2):

Labcorp Genetics (formerly Invitae), Labcorp
Classification: Uncertain significance. Last evaluated: 2025-12-16. Review status: criteria provided, single submitter. Criteria: Invitae Variant Classification Sherloc (09022015). Collection method: clinical testing. Allele origin: germline.
Comment: This sequence change replaces glycine, which is neutral and non-polar, with arginine, which is basic and polar, at codon 37 of the GRIN2D protein (p.Gly37Arg). This variant is present in population databases (no rsID available, gnomAD 0.007%). This variant has not been reported in the literature in individuals affected with GRIN2D-related conditions. ClinVar contains an entry for this variant (Variation ID: 2792451). Invitae Evidence Modeling of protein sequence and biophysical properties (such as structural, functional, and spatial information, amino acid conservation, physicochemical variation, residue mobility, and thermodynamic stability) indicates that this missense variant is not expected to disrupt GRIN2D protein function with a negative predictive value of 95%. In summary, the available evidence is currently insufficient to determine the role of this variant in disease. Therefore, it has been classified as a Variant of Uncertain Significance.

Revvity Omics, Revvity
Classification: Uncertain significance for Developmental and epileptic encephalopathy, 46. Last evaluated: 2025-01-09. Review status: criteria provided, single submitter. Criteria: ACMG Guidelines, 2015. Collection method: clinical testing. Allele origin: germline.

NM_000836.4(GRIN2D):c.109G>A (p.Gly37Arg)

Genes: GRIN2D (glutamate ionotropic receptor NMDA type subunit 2D; plus strand), LOC130064855 (ATAC-STARR-seq lymphoblastoid silent region 10879; plus strand). Cytogenetic location: 19q13.33.
Variant type: single nucleotide variant.
Coding change: c.109G>A on transcript NM_000836.4 (MANE Select); coding-DNA position 109, G replaced by A.
Protein change: p.Gly37Arg; replaces glycine 37 with arginine.
Molecular consequence: missense variant.
Genome position (GRCh38, 1-based): chr19:48,398,501, G>A. VCF-style: chr19-48398501-G-A. GRCh37 (hg19) VCF-style: chr19-48901758-G-A.
Other names: c.109G>A (NM_000836.2); short protein forms G37R.
Identifiers: ClinVar variation 2792451 (VCV002792451.4), dbSNP rs1348016646, ClinGen allele CA406688302.